The following is an entry in ClinVar:

NM_001845.6(COL4A1):c.182G>C (p.Gly61Ala)

Gene: COL4A1 (collagen type IV alpha 1 chain; minus strand). Cytogenetic location: 13q34.
Variant type: single nucleotide variant.
Coding change: c.182G>C on transcript NM_001845.6 (MANE Select); coding-DNA position 182, G replaced by C.
Protein change: p.Gly61Ala; replaces glycine 61 with alanine.
Molecular consequence: missense variant.
Genome position (GRCh38, 1-based): chr13:110,213,978, C>G on the plus strand (G>C on the coding strand, the complement: COL4A1 is on the minus strand). VCF-style: chr13-110213978-C-G. GRCh37 (hg19) VCF-style: chr13-110866325-C-G.
Other names: c.182G>C, p.Gly61Ala (NM_001303110.2); short protein forms G61A.
Identifiers: ClinVar variation 3654313 (VCV003654313.2).

ClinVar aggregate classification (germline): Likely pathogenic (1 of 4 stars; one submission).

Submission:

Labcorp Genetics (formerly Invitae), Labcorp
Classification: Likely pathogenic. Last evaluated: 2024-05-28. Review status: criteria provided, single submitter. Criteria: Invitae Variant Classification Sherloc (09022015). Collection method: clinical testing. Allele origin: germline.
Comment: This sequence change replaces glycine, which is neutral and non-polar, with alanine, which is neutral and non-polar, at codon 61 of the COL4A1 protein (p.Gly61Ala). This variant is not present in population databases (gnomAD no frequency). This variant has not been reported in the literature in individuals affected with COL4A1-related conditions. Advanced modeling of protein sequence and biophysical properties (such as structural, functional, and spatial information, amino acid conservation, physicochemical variation, residue mobility, and thermodynamic stability) performed at Invitae indicates that this missense variant is expected to disrupt COL4A1 protein function with a positive predictive value of 95%. This variant disrupts the triple helix domain of COL4A1. Glycine residues within the Gly-Xaa-Yaa repeats of the triple helix domain are required for the structure and stability of fibrillar collagens (PMID: 7695699, 8218237, 19344236). In COL4A1 variants affecting these glycine residues are significantly enriched in individuals with disease (PMID: 9016532, 17078022) compared to the general population (ExAC). In summary, the currently available evidence indicates that the variant is pathogenic, but additional data are needed to prove that conclusively. Therefore, this variant has been classified as Likely Pathogenic.

Literature cited by the submitters: PubMed 7695699; PubMed 8218237; PubMed 19344236; PubMed 9016532; PubMed 17078022.